The following is an entry in ClinVar:

ClinVar aggregate classification (germline): Conflicting classifications of pathogenicity. Review status: criteria provided, conflicting classifications (1 of 4 stars). 2 submissions from 2 submitters: Uncertain significance (1); Likely benign (1). Last evaluated 2023-06-27.

Conditions:
Inborn genetic diseases. Identifiers: MedGen C0950123, MeSH D030342.
Angelman syndrome-like. Identifiers: MedGen CN128785.
Developmental and epileptic encephalopathy, 2 (DEE2). Also called: CDKL5 deficiency disorder; INFANTILE SPASM SYNDROME, X-LINKED 2. Identifiers: Orphanet 1934, Orphanet 3451, Orphanet 505652, MedGen C4750718, MONDO:0010396, OMIM 300672.

Allele frequency attached by ClinVar (database versions not stated): gnomAD exomes 0.00001.
gnomAD v4.1: 14 of 1,210,126 alleles (0.0012%); highest among the groups gnomAD compares: Non-Finnish European, 0.0016%; no homozygotes.

Submissions (2):

Labcorp Genetics (formerly Invitae), Labcorp
Classification: Uncertain significance for Developmental and epileptic encephalopathy, 2; Angelman syndrome-like. Last evaluated: 2023-06-27. Review status: criteria provided, single submitter. Criteria: Invitae Variant Classification Sherloc (09022015). Collection method: clinical testing. Allele origin: germline.
Comment: In summary, the available evidence is currently insufficient to determine the role of this variant in disease. Therefore, it has been classified as a Variant of Uncertain Significance. Algorithms developed to predict the effect of sequence changes on RNA splicing suggest that this variant may create or strengthen a splice site. ClinVar contains an entry for this variant (Variation ID: 1755431). This variant has not been reported in the literature in individuals affected with CDKL5-related conditions. This variant is not present in population databases (gnomAD no frequency). This sequence change affects codon 226 of the CDKL5 mRNA. It is a 'silent' change, meaning that it does not change the encoded amino acid sequence of the CDKL5 protein.

Ambry Genetics
Classification: Likely benign for Inborn genetic diseases. Last evaluated: 2019-03-14. Review status: criteria provided, single submitter. Criteria: Ambry Variant Classification Scheme 2023. Collection method: clinical testing. Allele origin: germline.

NM_001323289.2(CDKL5):c.678G>A (p.Val226=)

Gene: CDKL5 (cyclin dependent kinase like 5; plus strand). Cytogenetic location: Xp22.13.
Variant type: single nucleotide variant.
Coding change: c.678G>A on transcript NM_001323289.2 (MANE Select); coding-DNA position 678, G replaced by A.
Protein change: p.Val226=; no amino-acid change (valine 226 retained).
Molecular consequence: synonymous variant.
Genome position (GRCh38, 1-based): chrX:18,588,077, G>A. VCF-style: chrX-18588077-G-A. GRCh37 (hg19) VCF-style: chrX-18606197-G-A.
Other names: c.678G>A, p.Val226= (NM_001037343.2, NM_003159.3).
Identifiers: ClinVar variation 1755431 (VCV001755431.7), dbSNP rs2518857515, ClinGen allele CA515470345.